The following is an entry in ClinVar:

ClinVar aggregate classification (germline): Conflicting classifications of pathogenicity. Review status: criteria provided, conflicting classifications (1 of 4 stars). 4 submissions from 4 submitters: Uncertain significance (1); Likely benign (3). Last evaluated 2026-07-01.

Conditions:
Inborn genetic diseases. Identifiers: MedGen C0950123, MeSH D030342.

Allele frequency attached by ClinVar (database versions not stated): gnomAD 0.00001 and 0.00003; gnomAD exomes 0.00005.
gnomAD v4.1: 36 of 1,592,956 alleles (0.0023%); highest among the groups gnomAD compares: Admixed American, 0.01%; no homozygotes.

Submissions (4):

CeGaT Center for Human Genetics Tuebingen
Classification: Likely benign. Last evaluated: 2026-07-01. Review status: criteria provided, single submitter. Criteria: CeGaT Center For Human Genetics Tuebingen Variant Classification Criteria Version 2. Collection method: clinical testing. Allele origin: germline. Affected: yes. Observed: 1 variant allele.
Comment: RORB: PP2, BP4, BS1:Supporting

Labcorp Genetics (formerly Invitae), Labcorp
Classification: Uncertain significance. Last evaluated: 2025-12-13. Review status: criteria provided, single submitter. Criteria: Invitae Variant Classification Sherloc (09022015). Collection method: clinical testing. Allele origin: germline.
Comment: This sequence change replaces glycine, which is neutral and non-polar, with serine, which is neutral and polar, at codon 457 of the RORB protein (p.Gly457Ser). This variant is present in population databases (rs749536178, gnomAD 0.02%). This variant has not been reported in the literature in individuals affected with RORB-related conditions. ClinVar contains an entry for this variant (Variation ID: 1420668). An algorithm developed to predict the effect of missense changes on protein structure and function outputs the following: PolyPhen-2: "Benign". The serine amino acid residue is found in multiple mammalian species, which suggests that this missense change does not adversely affect protein function. In summary, the available evidence is currently insufficient to determine the role of this variant in disease. Therefore, it has been classified as a Variant of Uncertain Significance.

Ambry Genetics
Classification: Likely benign for Inborn genetic diseases. Last evaluated: 2025-10-22. Review status: criteria provided, single submitter. Criteria: Ambry Variant Classification Scheme 2023. Collection method: clinical testing. Allele origin: germline.

Blueprint Genetics
Classification: Likely benign. Last evaluated: 2024-03-18. Review status: criteria provided, single submitter. Criteria: ACMG Guidelines, 2015. Collection method: clinical testing. Allele origin: germline.

NM_006914.4(RORB):c.1369G>A (p.Gly457Ser)

Genes: RORB (RAR related orphan receptor B; plus strand), LOC124310566 (Sharpr-MPRA regulatory region 9792; plus strand). Cytogenetic location: 9q21.13.
Variant type: single nucleotide variant.
Coding change: c.1369G>A on transcript NM_006914.4 (MANE Select); coding-DNA position 1369, G replaced by A.
Protein change: p.Gly457Ser; replaces glycine 457 with serine.
Molecular consequence: missense variant.
Genome position (GRCh38, 1-based): chr9:74,685,607, G>A. VCF-style: chr9-74685607-G-A. GRCh37 (hg19) VCF-style: chr9-77300523-G-A.
Other names: c.1402G>A, p.Gly468Ser (NM_001365023.1); c.1369G>A (NM_006914.3); short protein forms G457S, G468S.
Identifiers: ClinVar variation 1420668 (VCV001420668.9), dbSNP rs749536178, ClinGen allele CA5083599.